The following is an entry in ClinVar:

NM_015021.3(ZNF292):c.1458A>G (p.Gln486=)

Gene: ZNF292 (zinc finger protein 292; plus strand). Cytogenetic location: 6q14.3.
Variant type: single nucleotide variant.
Coding change: c.1458A>G on transcript NM_015021.3 (MANE Select); coding-DNA position 1458, A replaced by G.
Protein change: p.Gln486=; no amino-acid change (glutamine 486 retained).
Molecular consequence: synonymous variant.
Genome position (GRCh38, 1-based): chr6:87,255,087, A>G. VCF-style: chr6-87255087-A-G. GRCh37 (hg19) VCF-style: chr6-87964805-A-G.
Other names: c.1038A>G, p.Gln346= (NM_001351444.2).
Identifiers: ClinVar variation 3905060 (VCV003905060.11).
Genomic context (GRCh38, chr6:87,255,087, plus strand): 5'-TGTGTCTTCAATAGATGAACTAAATGACAGTGAAGTATATGAAAAAGTGGTAGACTACCA[A>G]GAAGAGAGTAAAGAAACTTCTATGAATGGGCTTTCTGGTGGAGTTGGTGCTAATTCTGGC-3'
Protein context (NP_055836.1, residues 476-496): SEVYEKVVDY[Gln486=]EESKETSMNG

ClinVar aggregate classification (germline): Likely benign. Review status: criteria provided, multiple submitters, no conflicts (2 of 4 stars). 2 submissions from 2 submitters: Likely benign (2). Last evaluated 2025-05-01.

gnomAD v4.1: 415 of 1,613,648 alleles (0.026%); highest among the groups gnomAD compares: Middle Eastern, 0.31%; no homozygotes.

Submissions (2):

CeGaT Center for Human Genetics Tuebingen
Classification: Likely benign. Last evaluated: 2025-05-01. Review status: criteria provided, single submitter. Criteria: CeGaT Center For Human Genetics Tuebingen Variant Classification Criteria Version 2. Collection method: clinical testing. Allele origin: germline. Affected: yes. Observed: 1 variant allele.
Comment: ZNF292: BP4, BP7

Blueprint Genetics
Classification: Likely benign. Last evaluated: 2024-11-20. Review status: criteria provided, single submitter. Criteria: ACMG Guidelines, 2015. Collection method: clinical testing. Allele origin: germline.